The following is an entry in ClinVar:

NM_170606.3(KMT2C):c.4766T>C (p.Ile1589Thr)

Gene: KMT2C (lysine methyltransferase 2C; minus strand). Cytogenetic location: 7q36.1.
Variant type: single nucleotide variant.
Coding change: c.4766T>C on transcript NM_170606.3 (MANE Select); coding-DNA position 4766, T replaced by C.
Protein change: p.Ile1589Thr; replaces isoleucine 1589 with threonine.
Molecular consequence: missense variant.
Genome position (GRCh38, 1-based): chr7:152,187,742, A>G on the plus strand (T>C on the coding strand, the complement: KMT2C is on the minus strand). VCF-style: chr7-152187742-A-G. GRCh37 (hg19) VCF-style: chr7-151884827-A-G.
Other names: short protein forms I1589T.
Identifiers: ClinVar variation 1521772 (VCV001521772.9), dbSNP rs985359158, ClinGen allele CA169216742.

ClinVar aggregate classification (germline): Uncertain significance. Review status: criteria provided, multiple submitters, no conflicts (2 of 4 stars). 2 submissions from 2 submitters: Uncertain significance (2). Last evaluated 2021-06-28.

Conditions:
Kleefstra syndrome 2 (KLEFS2). Identifiers: MedGen C4540395, MONDO:0054701, OMIM 617768.

Allele frequency attached by ClinVar (database versions not stated): gnomAD exomes below 0.00001; TOPMed below 0.00001.
gnomAD v4.1: 3 of 1,614,142 alleles (0.00019%); highest among the groups gnomAD compares: African/African-American, 0.0013%; no homozygotes.

Submissions (2):

Labcorp Genetics (formerly Invitae), Labcorp
Classification: Uncertain significance. Last evaluated: 2021-06-28. Review status: criteria provided, single submitter. Criteria: Invitae Variant Classification Sherloc (09022015). Collection method: clinical testing. Allele origin: germline.
Comment: This sequence change replaces isoleucine with threonine at codon 1589 of the KMT2C protein (p.Ile1589Thr). The isoleucine residue is moderately conserved and there is a moderate physicochemical difference between isoleucine and threonine. This variant is not present in population databases (ExAC no frequency). This variant has not been reported in the literature in individuals with KMT2C-related conditions. Algorithms developed to predict the effect of missense changes on protein structure and function (SIFT, PolyPhen-2, Align-GVGD) all suggest that this variant is likely to be tolerated, but these predictions have not been confirmed by published functional studies and their clinical significance is uncertain. In summary, the available evidence is currently insufficient to determine the role of this variant in disease. Therefore, it has been classified as a Variant of Uncertain Significance.

New York Genome Center
Classification: Uncertain significance for Kleefstra syndrome 2. Last evaluated: 2021-06-23. Review status: criteria provided, single submitter. Criteria: NYGC Assertion Criteria 2020. Collection method: clinical testing. Allele origin: inherited. Observed: 1 heterozygote. Study: CSER-NYCKidSeq.